The following is an entry in ClinVar:

ClinVar aggregate classification (germline): Uncertain significance (1 of 4 stars; one submission).

Conditions:
Inborn genetic diseases. Identifiers: MedGen C0950123, MeSH D030342.

gnomAD v4.1: 2 of 1,614,050 alleles (0.00012%); highest among the groups gnomAD compares: African/African-American, 0.0013%; no homozygotes.

Submission:

Ambry Genetics
Classification: Uncertain significance for Inborn genetic diseases. Last evaluated: 2025-09-22. Review status: criteria provided, single submitter. Criteria: Ambry Variant Classification Scheme 2023. Collection method: clinical testing. Allele origin: germline.
Comment: The p.S315G variant (also known as c.943A>G), located in coding exon 8 of the FANCG gene, results from an A to G substitution at nucleotide position 943. The serine at codon 315 is replaced by glycine, an amino acid with similar properties. This amino acid position is conserved. In addition, this alteration is predicted to be tolerated by in silico analysis. Based on the available evidence, the clinical significance of this variant remains unclear.

NM_004629.2(FANCG):c.943A>G (p.Ser315Gly)

Gene: FANCG (FA complementation group G; minus strand). Cytogenetic location: 9p13.3.
Variant type: single nucleotide variant.
Coding change: c.943A>G on transcript NM_004629.2 (MANE Select); coding-DNA position 943, A replaced by G.
Protein change: p.Ser315Gly; replaces serine 315 with glycine.
Molecular consequence: missense variant.
Genome position (GRCh38, 1-based): chr9:35,076,565, T>C on the plus strand (A>G on the coding strand, the complement: FANCG is on the minus strand). VCF-style: chr9-35076565-T-C. GRCh37 (hg19) VCF-style: chr9-35076562-T-C.
Other names: short protein forms S315G.
Identifiers: ClinVar variation 4619352 (VCV004619352.1).